The following is an entry in ClinVar:

ClinVar aggregate classification (germline): Uncertain significance. Review status: criteria provided, multiple submitters, no conflicts (2 of 4 stars). 2 submissions from 2 submitters: Uncertain significance (2). Last evaluated 2025-11-15.

Allele frequency attached by ClinVar (database versions not stated): TOPMed 0.00001.
gnomAD v4.1: 25 of 1,612,998 alleles (0.0015%); highest among the groups gnomAD compares: Non-Finnish European, 0.0021%; no homozygotes.

Submissions (2):

Labcorp Genetics (formerly Invitae), Labcorp
Classification: Uncertain significance. Last evaluated: 2025-11-15. Review status: criteria provided, single submitter. Criteria: Invitae Variant Classification Sherloc (09022015). Collection method: clinical testing. Allele origin: germline.
Comment: This sequence change replaces serine, which is neutral and polar, with cysteine, which is neutral and slightly polar, at codon 687 of the MYO6 protein (p.Ser687Cys). This variant is present in population databases (no rsID available, gnomAD 0.003%). This variant has not been reported in the literature in individuals affected with MYO6-related conditions. ClinVar contains an entry for this variant (Variation ID: 1331341). Invitae Evidence Modeling of protein sequence and biophysical properties (such as structural, functional, and spatial information, amino acid conservation, physicochemical variation, residue mobility, and thermodynamic stability) indicates that this missense variant is not expected to disrupt MYO6 protein function with a negative predictive value of 80%. In summary, the available evidence is currently insufficient to determine the role of this variant in disease. Therefore, it has been classified as a Variant of Uncertain Significance.

GeneDx
Classification: Uncertain significance. Last evaluated: 2021-06-25. Review status: criteria provided, single submitter. Criteria: GeneDx Variant Classification Process June 2021. Collection method: clinical testing. Allele origin: germline. Affected: yes.
Comment: In silico analysis supports that this missense variant has a deleterious effect on protein structure/function; Has not been previously published as pathogenic or benign to our knowledge; This variant is associated with the following publications: (PMID: 27535533)

NM_004999.4(MYO6):c.2060C>G (p.Ser687Cys)

Gene: MYO6 (myosin VI; plus strand). Cytogenetic location: 6q14.1.
Variant type: single nucleotide variant.
Coding change: c.2060C>G on transcript NM_004999.4 (MANE Select); coding-DNA position 2060, C replaced by G.
Protein change: p.Ser687Cys; replaces serine 687 with cysteine.
Molecular consequence: missense variant. On other transcripts: non-coding transcript variant (1).
Genome position (GRCh38, 1-based): chr6:75,873,283, C>G. VCF-style: chr6-75873283-C-G. GRCh37 (hg19) VCF-style: chr6-76583000-C-G.
Other names: c.2060C>G, p.Ser687Cys (NM_001300899.2, NM_001368136.1, NM_001368137.1 and 2 more transcripts); c.2045C>G, p.Ser682Cys (NM_001368138.1); short protein forms S682C, S687C.
Identifiers: ClinVar variation 1331341 (VCV001331341.3), dbSNP rs765145836, ClinGen allele CA364769328.
Genomic context (GRCh38, chr6:75,873,283, plus strand): 5'-GTTGCATCAAACCTAACTTAAAGATGACAAGCCACCACTTTGAAGGTGCTCAAATTCTGT[C>G]TCAGCTTCAGTGTTCAGGTATTTTCATAATCTCTGTCAGTGTGTGTTAGTAGTCATAGCT-3'
Protein context (NP_004990.3, residues 677-697): SHHFEGAQIL[Ser687Cys]QLQCSGMVSV